The following is an entry in ClinVar:

ClinVar aggregate classification (germline): Uncertain significance (1 of 4 stars; one submission).

Conditions:
Combined immunodeficiency due to LRBA deficiency. Also called: Common variable immunodeficiency 8, with autoimmunity. Identifiers: Orphanet 445018, MedGen C3553512, MONDO:0013863, OMIM 614700.

Submission:

Laboratorio de Genetica e Diagnostico Molecular, Hospital Israelita Albert Einstein
Classification: Uncertain significance for Combined immunodeficiency due to LRBA deficiency. Last evaluated: 2024-09-06. Review status: criteria provided, single submitter. Criteria: ACMG Guidelines, 2015. Collection method: clinical testing. Allele origin: germline. Affected: yes.
Comment: ACMG classification criteria: PM2 supporting, PP3 supporting

NM_001364905.1(LRBA):c.4367T>G (p.Leu1456Trp)

Gene: LRBA (LPS responsive beige-like anchor protein; minus strand). Cytogenetic location: 4q31.3.
Variant type: single nucleotide variant.
Coding change: c.4367T>G on transcript NM_001364905.1 (MANE Select); coding-DNA position 4367, T replaced by G.
Protein change: p.Leu1456Trp; replaces leucine 1456 with tryptophan.
Molecular consequence: missense variant.
Genome position (GRCh38, 1-based): chr4:150,844,752, A>C on the plus strand (T>G on the coding strand, the complement: LRBA is on the minus strand). VCF-style: chr4-150844752-A-C. GRCh37 (hg19) VCF-style: chr4-151765904-A-C.
Other names: c.4367T>G, p.Leu1456Trp (NM_001199282.3, NM_001367550.1, NM_006726.5); short protein forms L1456W.
Identifiers: ClinVar variation 4056585 (VCV004056585.1).